The following is an entry in ClinVar:

NM_018489.3(ASH1L):c.1761TAC[1] (p.Thr589del)

Gene: ASH1L (ASH1 like histone lysine methyltransferase; minus strand). Cytogenetic location: 1q22.
Variant type: Microsatellite.
Coding change: c.1761TAC[1] on transcript NM_018489.3 (MANE Select); one copy of the 3-base unit TAC starting at c.1761; the reference has two copies in a row; one copy, 3 bases deleted.
Protein change: p.Thr589del; deletes threonine 589.
Genome position (GRCh38, 1-based): chr1:155,481,104-155,481,106, GTA deleted on the plus strand (TAC on the coding strand, the reverse complement: ASH1L is on the minus strand); deleting any 3 consecutive bases within chr1:155,481,104-155,481,110 gives the same sequence; the position shown is the placement nearest the transcript's 3' end. VCF-style (leftmost placement, unchanged base first): chr1-155481103-TGTA-T. GRCh37 (hg19) VCF-style: chr1-155450894-TGTA-T.
Other names: c.1761TAC[1], p.Thr589del (NM_001366177.2); short protein forms T589del.
Identifiers: ClinVar variation 3900937 (VCV003900937.2).
Genomic context (GRCh38, chr1:155,481,103, plus strand): 5'-GGTACTTTCAGAAGTAAACTGGTTCTTTCCAACAGATTCAGAAATTTCTTCGATTAGTTC[TGTA>T]GTAGAACTTAAAAGTAATGGATTAGGAGCCAACTGTGAAGAAGTTTCAGGGGGACTTCTG-3'

ClinVar aggregate classification (germline): Uncertain significance (1 of 4 stars; one submission).

Submission:

GeneDx
Classification: Uncertain significance. Last evaluated: 2025-08-11. Review status: criteria provided, single submitter. Criteria: GeneDx Variant Classification Process June 2021. Collection method: clinical testing. Allele origin: germline.
Comment: In-frame deletion of 1 amino acid in a non-repeat region; Not observed at significant frequency in large population cohorts (gnomAD); In silico analysis supports a deleterious effect on protein structure/function; Has not been previously published as pathogenic or benign to our knowledge